The following is an entry in ClinVar:

ClinVar aggregate classification (germline): Likely pathogenic (1 of 4 stars; one submission).

Conditions:
Cholestasis, progressive familial intrahepatic, 12 (PFIC12). Also called: CHOLESTASIS, ISOLATED LOW-GGT. Identifiers: MedGen C5774311, MONDO:0031040, OMIM 620010.
Keratoderma-ichthyosis-deafness syndrome, autosomal recessive (KDIDAR). Identifiers: MedGen C5774200, MONDO:0859278, OMIM 620009.
Arthrogryposis, renal dysfunction, and cholestasis 1 (ARCS1). Identifiers: Orphanet 2697, MedGen C1859722, MONDO:0008822, OMIM 208085.

Submission:

Juno Genomics, Hangzhou Juno Genomics, Inc
Classification: Likely pathogenic for Arthrogryposis, renal dysfunction, and cholestasis 1; Cholestasis, progressive familial intrahepatic, 12; Keratoderma-ichthyosis-deafness syndrome, autosomal recessive. Review status: criteria provided, single submitter. Criteria: ACMG Guidelines, 2015. Collection method: clinical testing. Allele origin: germline.
Comment: Null variant in a gene where loss of function (LOF) is a known mechanism of disease.;Absent from controls (or at extremely low frequency if recessive) in Genome Aggregation Database.

NM_018668.5(VPS33B):c.1558_1559del (p.Leu520fs)

Gene: VPS33B (VPS33B late endosome and lysosome associated; minus strand). Cytogenetic location: 15q26.1.
Variant type: Deletion.
Coding change: c.1558_1559del on transcript NM_018668.5 (MANE Select); coding-DNA positions 1558 to 1559, 2 bases deleted (CT; older notation c.1558_1559delCT).
Protein change: p.Leu520fs; shifts the reading frame from leucine 520.
Molecular consequence: frameshift variant.
Genome position (GRCh38, 1-based): chr15:91,000,512-91,000,513, AG deleted on the plus strand (CT on the coding strand, the reverse complement: VPS33B is on the minus strand). VCF-style (leftmost placement, unchanged base first): chr15-91000511-CAG-C. GRCh37 (hg19) VCF-style: chr15-91543741-CAG-C.
Other names: c.1477_1478del, p.Leu493fs (NM_001289148.1); c.1285_1286del, p.Leu429fs (NM_001289149.1); short protein forms L493fs, L520fs, L429fs.
Identifiers: ClinVar variation 5005487 (VCV005005487.2).
Genomic context (GRCh38, chr15:91,000,511, plus strand): 5'-AATGAAATATGAATGGGAGCAAGAATTACATGCTCTCACCTGCTCAATGATTCGGCAGCT[CAG>C]GGGCACATAAGCACCACCGAAGACGTAAGCCATGTCTCGGGGCACTTTCAGATCATACTC-3'